The following is an entry in ClinVar:

NM_001267550.2(TTN):c.78917T>C (p.Leu26306Ser)

Genes: TTN (titin; minus strand), TTN-AS1 (TTN antisense RNA 1; plus strand). Cytogenetic location: 2q31.2.
Variant type: single nucleotide variant.
Coding change: c.78917T>C on transcript NM_001267550.2 (MANE Select); coding-DNA position 78917, T replaced by C.
Protein change: p.Leu26306Ser; replaces leucine 26306 with serine.
Molecular consequence: missense variant.
Genome position (GRCh38, 1-based): chr2:178,567,215, A>G on the plus strand (T>C on the coding strand, the complement: TTN is on the minus strand). VCF-style: chr2-178567215-A-G. GRCh37 (hg19) VCF-style: chr2-179431942-A-G.
Other names: c.73994T>C, p.Leu24665Ser (NM_001256850.1); c.51722T>C, p.Leu17241Ser (NM_003319.4); c.71213T>C, p.Leu23738Ser (NM_133378.4); c.52097T>C, p.Leu17366Ser (NM_133432.3); c.52298T>C, p.Leu17433Ser (NM_133437.4); short protein forms L17241S, L17366S, L17433S, L23738S, L24665S, L26306S.
Identifiers: ClinVar variation 3390565 (VCV003390565.1).
Genomic context (GRCh38, chr2:178,567,215, plus strand): 5'-TTTTCAACAACATAGTGAGAAATGTCACTGCCACCATCTTGAAGTGGTGGAGACCATGTT[A>G]AAGAGCATTTTTCAGAAGTGACTCCAGTAACCTGGACTGGCCCTTCTGGAGGTCCTGGTC-3'
Protein context (NP_001254479.2, residues 26296-26316): VTGVTSEKCS[Leu26306Ser]TWSPPLQDGG

ClinVar aggregate classification (germline): Uncertain significance (1 of 4 stars; one submission).

gnomAD v4.1: 1 of 1,610,338 alleles (0.000062%); highest among the groups gnomAD compares: African/African-American, 0.0013%; no homozygotes.

Submission:

GeneDx
Classification: Uncertain significance. Last evaluated: 2024-06-13. Review status: criteria provided, single submitter. Criteria: GeneDx Variant Classification Process June 2021. Collection method: clinical testing. Allele origin: germline. Affected: yes.
Comment: Not observed at significant frequency in large population cohorts (gnomAD); Missense variant in a gene in which most reported pathogenic variants are truncating/loss of function; Has not been previously published as pathogenic or benign to our knowledge